The following is an entry in ClinVar:

NM_001170629.2(CHD8):c.7060C>G (p.Leu2354Val)

Genes: CHD8 (chromodomain helicase DNA binding protein 8; minus strand), LOC126861888 (CDK7 strongly-dependent group 2 enhancer GRCh37_chr14:21859227-21860426; plus strand). Cytogenetic location: 14q11.2.
Variant type: single nucleotide variant.
Coding change: c.7060C>G on transcript NM_001170629.2 (MANE Select); coding-DNA position 7060, C replaced by G.
Protein change: p.Leu2354Val; replaces leucine 2354 with valine.
Molecular consequence: missense variant.
Genome position (GRCh38, 1-based): chr14:21,391,468, G>C on the plus strand (C>G on the coding strand, the complement: CHD8 is on the minus strand). VCF-style: chr14-21391468-G-C. GRCh37 (hg19) VCF-style: chr14-21859627-G-C.
Other names: c.6223C>G, p.Leu2075Val (NM_020920.4); short protein forms L2075V, L2354V.
Identifiers: ClinVar variation 2155911 (VCV002155911.4), dbSNP rs1410778029, ClinGen allele CA388876995.

ClinVar aggregate classification (germline): Uncertain significance (1 of 4 stars; one submission).

Allele frequency attached by ClinVar (database versions not stated): gnomAD exomes below 0.00001; TOPMed below 0.00001.
gnomAD v4.1: 6 of 1,613,662 alleles (0.00037%); highest among the groups gnomAD compares: Non-Finnish European, 0.00051%; no homozygotes.

Submission:

Labcorp Genetics (formerly Invitae), Labcorp
Classification: Uncertain significance. Last evaluated: 2023-11-27. Review status: criteria provided, single submitter. Criteria: Invitae Variant Classification Sherloc (09022015). Collection method: clinical testing. Allele origin: germline.
Comment: This sequence change replaces leucine, which is neutral and non-polar, with valine, which is neutral and non-polar, at codon 2354 of the CHD8 protein (p.Leu2354Val). This variant is present in population databases (no rsID available, gnomAD 0.0009%). This variant has not been reported in the literature in individuals affected with CHD8-related conditions. ClinVar contains an entry for this variant (Variation ID: 2155911). Advanced modeling of protein sequence and biophysical properties (such as structural, functional, and spatial information, amino acid conservation, physicochemical variation, residue mobility, and thermodynamic stability) performed at Invitae indicates that this missense variant is not expected to disrupt CHD8 protein function with a negative predictive value of 80%. In summary, the available evidence is currently insufficient to determine the role of this variant in disease. Therefore, it has been classified as a Variant of Uncertain Significance.